The following is an entry in ClinVar:

ClinVar aggregate classification (germline): Uncertain significance (1 of 4 stars; one submission).

Conditions:
Aortic aneurysm, familial thoracic 6 (AAT6). Also called: FAMILIAL THORACIC AORTIC ANEURYSM WITH LIVEDO RETICULARIS AND IRIS FLOCCULI. Identifiers: MedGen C2673186, MONDO:0012730, OMIM 611788.

Submission:

Labcorp Genetics (formerly Invitae), Labcorp
Classification: Uncertain significance for Aortic aneurysm, familial thoracic 6. Last evaluated: 2023-05-19. Review status: criteria provided, single submitter. Criteria: Invitae Variant Classification Sherloc (09022015). Collection method: clinical testing. Allele origin: germline.
Comment: In summary, the available evidence is currently insufficient to determine the role of this variant in disease. Therefore, it has been classified as a Variant of Uncertain Significance. Advanced modeling of protein sequence and biophysical properties (such as structural, functional, and spatial information, amino acid conservation, physicochemical variation, residue mobility, and thermodynamic stability) performed at Invitae indicates that this missense variant is not expected to disrupt ACTA2 protein function. This variant has not been reported in the literature in individuals affected with ACTA2-related conditions. This variant is not present in population databases (gnomAD no frequency). This sequence change replaces threonine, which is neutral and polar, with isoleucine, which is neutral and non-polar, at codon 353 of the ACTA2 protein (p.Thr353Ile).

NM_001613.4(ACTA2):c.1058C>T (p.Thr353Ile)

Genes: ACTA2-AS1 (ACTA2 antisense RNA 1; plus strand), ACTA2 (actin alpha 2, smooth muscle; minus strand). Cytogenetic location: 10q23.31.
Variant type: single nucleotide variant.
Coding change: c.1058C>T on transcript NM_001613.4 (MANE Select); coding-DNA position 1058, C replaced by T.
Protein change: p.Thr353Ile; replaces threonine 353 with isoleucine.
Molecular consequence: missense variant. On other transcripts: non-coding transcript variant (1).
Genome position (GRCh38, 1-based): chr10:88,935,299, G>A on the plus strand (C>T on the coding strand, the complement: ACTA2 is on the minus strand). VCF-style: chr10-88935299-G-A. GRCh37 (hg19) VCF-style: chr10-90695056-G-A.
Other names: c.1058C>T, p.Thr353Ile (NM_001141945.3, NM_001320855.2, NM_001406462.1 and 2 more transcripts); c.947C>T, p.Thr316Ile (NM_001406466.1); c.929C>T, p.Thr310Ile (NM_001406467.1, NM_001406468.1, NM_001406469.1); c.866C>T, p.Thr289Ile (NM_001406471.1); short protein forms T289I, T316I, T353I, T310I.
Identifiers: ClinVar variation 2865935 (VCV002865935.3), dbSNP rs2494501973, ClinGen allele CA377510492.